The following is an entry in ClinVar:

NM_000036.3(AMPD1):c.1302T>A (p.Asp434Glu)

Gene: AMPD1 (adenosine monophosphate deaminase 1; minus strand). Cytogenetic location: 1p13.2.
Variant type: single nucleotide variant.
Coding change: c.1302T>A on transcript NM_000036.3 (MANE Select); coding-DNA position 1302, T replaced by A.
Protein change: p.Asp434Glu; replaces aspartic acid 434 with glutamic acid.
Molecular consequence: missense variant.
Genome position (GRCh38, 1-based): chr1:114,677,437, A>T on the plus strand (T>A on the coding strand, the complement: AMPD1 is on the minus strand). VCF-style: chr1-114677437-A-T. GRCh37 (hg19) VCF-style: chr1-115220058-A-T.
Other names: c.1290T>A, p.Asp430Glu (NM_001172626.2); c.1401T>A (NM_000036.2); short protein forms D434E, D430E.
Identifiers: ClinVar variation 2048124 (VCV002048124.2), dbSNP rs1489333623, ClinGen allele CA341748579.

ClinVar aggregate classification (germline): Uncertain significance. Review status: criteria provided, multiple submitters, no conflicts (2 of 4 stars). 2 submissions from 2 submitters: Uncertain significance (2). Last evaluated 2025-11-07.

Conditions:
Inborn genetic diseases. Identifiers: MedGen C0950123, MeSH D030342.
Muscle AMP deaminase deficiency (MMDD). Also called: Myoadenylate deaminase deficiency, myopathy due to; AMPD1 DEFICIENCY; ADENOSINE MONOPHOSPHATE DEAMINASE-1 DEFICIENCY, MYOPATHY DUE TO; Adenosine monophosphate deaminase 1 deficiency; AMP deaminase 1 deficiency; Adenosine Monophosphate Deaminase 1. Identifiers: Orphanet 45, MedGen C3714933, MONDO:0014220, OMIM 615511.

Allele frequency attached by ClinVar (database versions not stated): TOPMed 0.00001; gnomAD 0.00002; gnomAD exomes 0.00004.
gnomAD v4.1: 56 of 1,612,582 alleles (0.0035%); highest among the groups gnomAD compares: Non-Finnish European, 0.0047%; no homozygotes.

Submissions (2):

Ambry Genetics
Classification: Uncertain significance for Inborn genetic diseases. Last evaluated: 2025-11-07. Review status: criteria provided, single submitter. Criteria: Ambry Variant Classification Scheme 2023. Collection method: clinical testing. Allele origin: germline.

Labcorp Genetics (formerly Invitae), Labcorp
Classification: Uncertain significance for Muscle AMP deaminase deficiency. Last evaluated: 2022-04-04. Review status: criteria provided, single submitter. Criteria: Invitae Variant Classification Sherloc (09022015). Collection method: clinical testing. Allele origin: germline.
Comment: This sequence change replaces aspartic acid, which is acidic and polar, with glutamic acid, which is acidic and polar, at codon 467 of the AMPD1 protein (p.Asp467Glu). This variant is not present in population databases (gnomAD no frequency). This variant has not been reported in the literature in individuals affected with AMPD1-related conditions. Algorithms developed to predict the effect of missense changes on protein structure and function output the following: SIFT: "Tolerated"; PolyPhen-2: "Benign"; Align-GVGD: "Class C0". The glutamic acid amino acid residue is found in multiple mammalian species, which suggests that this missense change does not adversely affect protein function. In summary, the available evidence is currently insufficient to determine the role of this variant in disease. Therefore, it has been classified as a Variant of Uncertain Significance.